The following is an entry in ClinVar:

ClinVar aggregate classification (germline): Pathogenic (1 of 4 stars; one submission).

Conditions:
LAMA2-related muscular dystrophy (LAMA2-RD). Also called: Laminin alpha 2-related dystrophy. Identifiers: MedGen C5679788, MONDO:0100228.

Submission:

Labcorp Genetics (formerly Invitae), Labcorp
Classification: Pathogenic for LAMA2-related muscular dystrophy. Last evaluated: 2022-07-19. Review status: criteria provided, single submitter. Criteria: Invitae Variant Classification Sherloc (09022015). Collection method: clinical testing. Allele origin: germline.
Comment: For these reasons, this variant has been classified as Pathogenic. ClinVar contains an entry for this variant (Variation ID: 652292). This variant has not been reported in the literature in individuals affected with LAMA2-related conditions. This variant is not present in population databases (gnomAD no frequency). This sequence change creates a premature translational stop signal (p.Thr2394Metfs*5) in the LAMA2 gene. It is expected to result in an absent or disrupted protein product. Loss-of-function variants in LAMA2 are known to be pathogenic (PMID: 18700894, 32904964).

Literature cited by the submitters: PubMed 18700894; PubMed 32904964.

NM_000426.4(LAMA2):c.7181del (p.Thr2394fs)

Gene: LAMA2 (laminin subunit alpha 2; plus strand). Cytogenetic location: 6q22.33.
Variant type: Deletion.
Coding change: c.7181del on transcript NM_000426.4 (MANE Select); coding-DNA position 7181, one base deleted (C; older notation c.7181delC).
Protein change: p.Thr2394fs; shifts the reading frame from threonine 2394.
Molecular consequence: frameshift variant.
Genome position (GRCh38, 1-based): chr6:129,465,170, C deleted. VCF-style (leftmost placement, unchanged base first): chr6-129465169-AC-A. GRCh37 (hg19) VCF-style: chr6-129786314-AC-A.
Other names: c.7181delC (NM_000426.3); c.7181del, p.Thr2394fs (NM_001079823.2); short protein forms T2394fs.
Identifiers: ClinVar variation 652292 (VCV000652292.7), dbSNP rs1583815667, ClinGen allele CA915943633.